The following is an entry in ClinVar:

NM_000441.2(SLC26A4):c.2118C>A (p.Cys706Ter)

Genes: SLC26A4 (solute carrier family 26 member 4; plus strand), LOC123956210 (Sharpr-MPRA regulatory region 3291; plus strand). Cytogenetic location: 7q22.3.
Variant type: single nucleotide variant.
Coding change: c.2118C>A on transcript NM_000441.2 (MANE Select); coding-DNA position 2118, C replaced by A.
Protein change: p.Cys706Ter; replaces cysteine 706 with a stop codon.
Molecular consequence: nonsense.
Genome position (GRCh38, 1-based): chr7:107,710,082, C>A. VCF-style: chr7-107710082-C-A. GRCh37 (hg19) VCF-style: chr7-107350527-C-A.
Other names: short protein forms C706*.
Identifiers: ClinVar variation 551315 (VCV000551315.52), dbSNP rs142656144, ClinGen allele CA4433051.
Genomic context (GRCh38, chr7:107,710,082, plus strand): 5'-AACTAACAAAACATTGTGTCTTTCTTTTGAAGATTATGTGATAGAAAAGCTGGAGCAATG[C>A]GGGTTCTTTGACGACAACATTAGAAAGGACACATTCTTTTTGACGGTCCATGATGCTATA-3'

ClinVar aggregate classification (germline): Pathogenic. Review status: criteria provided, multiple submitters, no conflicts (2 of 4 stars). 8 submissions from 8 submitters: Pathogenic (6). 2 of the submissions do not count toward it. Last evaluated 2026-10-07.

Conditions:
Pendred syndrome (PDS). Also called: Pendred Syndrome (PDS); Pendred's syndrome; DEAFNESS WITH GOITER; HYPOTHYROIDISM, CONGENITAL, DUE TO DYSHORMONOGENESIS, 2B; THYROID DYSHORMONOGENESIS 2B; THYROID HORMONOGENESIS, GENETIC DEFECT IN, 2B. Identifiers: Orphanet 705, MedGen C0271829, MONDO:0010134, OMIM 274600.
Autosomal recessive nonsyndromic hearing loss 4 (DFNB4). Also called: DEAFNESS, AUTOSOMAL RECESSIVE 4, WITH ENLARGED VESTIBULAR AQUEDUCT, DIGENIC; NEUROSENSORY NONSYNDROMIC RECESSIVE DEAFNESS 4; Nonsyndromic enlarged vestibular aqueduct (NSEVA); Deafness, autosomal recessive 4; Enlarged vestibular aqueduct, digenic; Deafness, autosomal recessive 4, with enlarged vestibular aqueduct. Identifiers: Orphanet 90636, MedGen C3538946, MONDO:0010933, OMIM 600791.

Allele frequency attached by ClinVar (database versions not stated): ESP Exome Variant Server 0.00015; TOPMed 0.00001.
gnomAD v4.1: 4 of 1,612,576 alleles (0.00025%); highest among the groups gnomAD compares: African/African-American, 0.0053%; no homozygotes.

Submissions (8):

GeneDx
Classification: Pathogenic. Last evaluated: 2026-10-07. Review status: criteria provided, single submitter. Criteria: GeneDx Variant Classification Process June 2021. Collection method: clinical testing. Allele origin: germline.
Comment: Nonsense variant predicted to result in protein truncation or nonsense mediated decay in a gene for which loss of function is a known mechanism of disease; Not observed at significant frequency in large population cohorts (gnomAD); This variant is associated with the following publications: (PMID: 27240500, 25394566, 34599366, 35982127, 25372295)

Labcorp Genetics (formerly Invitae), Labcorp
Classification: Pathogenic. Last evaluated: 2026-01-11. Review status: criteria provided, single submitter. Criteria: Invitae Variant Classification Sherloc (09022015). Collection method: clinical testing. Allele origin: germline.
Comment: This sequence change creates a premature translational stop signal (p.Cys706*) in the SLC26A4 gene. It is expected to result in an absent or disrupted protein product. Loss-of-function variants in SLC26A4 are known to be pathogenic (PMID: 16283880, 25394566, 26252218, 26445815). This variant is present in population databases (rs142656144, gnomAD 0.007%). This premature translational stop signal has been observed in individual(s) with clinical features of SLC26A4-related conditions (PMID: 25372295, 25394566). ClinVar contains an entry for this variant (Variation ID: 551315). For these reasons, this variant has been classified as Pathogenic.

Fulgent Genetics
Classification: Pathogenic for Pendred syndrome; Autosomal recessive nonsyndromic hearing loss 4. Last evaluated: 2024-02-01. Review status: criteria provided, single submitter. Criteria: ACMG Guidelines, 2015. Collection method: clinical testing. Allele origin: germline.

Baylor Genetics
Classification: Pathogenic for Autosomal recessive nonsyndromic hearing loss 4. Last evaluated: 2023-09-01. Review status: criteria provided, single submitter. Criteria: ACMG Guidelines, 2015. Collection method: clinical testing. Allele origin: unknown.

CeGaT Center for Human Genetics Tuebingen
Classification: Pathogenic. Last evaluated: 2022-08-01. Review status: criteria provided, single submitter. Criteria: CeGaT Center For Human Genetics Tuebingen Variant Classification Criteria Version 2. Collection method: clinical testing. Allele origin: germline. Affected: yes. Observed: 1 variant allele.
Comment: SLC26A4: PVS1, PM2

Genome-Nilou Lab
Classification: Pathogenic for Pendred syndrome. Last evaluated: 2021-09-05. Review status: criteria provided, single submitter. Criteria: ACMG Guidelines, 2015. Collection method: clinical testing. Allele origin: germline. Affected: no.

Natera, Inc.
Classification: Pathogenic for Pendred syndrome. Last evaluated: 2020-10-21. Review status: no assertion criteria provided. Collection method: clinical testing. Allele origin: germline. Not counted in ClinVar's aggregate classification.

Counsyl
Classification: Pathogenic for Pendred syndrome. Last evaluated: 2017-03-30. Review status: no assertion criteria provided. Collection method: clinical testing. Allele origin: unknown. Not counted in ClinVar's aggregate classification.

Literature cited by the submitters: PubMed 16283880 (cited by Labcorp Genetics (formerly Invitae), Labcorp); PubMed 25394566 (cited by Labcorp Genetics (formerly Invitae), Labcorp and Counsyl); PubMed 26252218 (cited by Labcorp Genetics (formerly Invitae), Labcorp); PubMed 26445815 (cited by Labcorp Genetics (formerly Invitae), Labcorp); PubMed 25372295 (cited by Labcorp Genetics (formerly Invitae), Labcorp and Counsyl); PubMed 27240500 (cited by Counsyl).